The following is an entry in ClinVar:

ClinVar aggregate classification (germline): Likely benign. Review status: criteria provided, multiple submitters, no conflicts (2 of 4 stars). 5 submissions from 5 submitters: Likely benign (4). 1 of the submissions does not count toward it. Last evaluated 2025-12-27.

Conditions:
Inborn genetic diseases. Identifiers: MedGen C0950123, MeSH D030342.
Developmental and epileptic encephalopathy, 31A. Also called: Epileptic encephalopathy, early infantile, 31; Developmental and epileptic encephalopathy, 31. Identifiers: Orphanet 2382, MedGen C4225357, MONDO:0014598, OMIM 616346.
DNM1-related disorder. Also called: DNM1-related condition.

Allele frequency attached by ClinVar (database versions not stated): TOPMed 0.00016; gnomAD 0.00016.
gnomAD v4.1: 350 of 1,309,058 alleles (0.027%); highest among the groups gnomAD compares: Admixed American, 0.033%; no homozygotes.

Submissions (5):

Labcorp Genetics (formerly Invitae), Labcorp
Classification: Likely benign for Developmental and epileptic encephalopathy, 31A. Last evaluated: 2025-12-27. Review status: criteria provided, single submitter. Criteria: Invitae Variant Classification Sherloc (09022015). Collection method: clinical testing. Allele origin: germline.

GeneDx
Classification: Likely benign. Last evaluated: 2019-03-05. Review status: criteria provided, single submitter. Criteria: GeneDx Variant Classification Process June 2021. Collection method: clinical testing. Allele origin: germline. Affected: yes.

Ambry Genetics
Classification: Likely benign for Inborn genetic diseases. Last evaluated: 2018-02-14. Review status: criteria provided, single submitter. Criteria: Ambry Variant Classification Scheme 2023. Collection method: clinical testing. Allele origin: germline.

Breakthrough Genomics
Classification: Likely benign. Review status: criteria provided, single submitter. Criteria: ACMG Guidelines, 2015. Collection method: not provided. Allele origin: germline. Inheritance: Autosomal dominant inheritance. Affected: yes.

PreventionGenetics, part of Exact Sciences
Classification: Likely benign for DNM1-related condition. Last evaluated: 2019-07-04. Review status: no assertion criteria provided. Collection method: clinical testing. Allele origin: germline. Not counted in ClinVar's aggregate classification.
Comment: This variant is classified as likely benign based on ACMG/AMP sequence variant interpretation guidelines (Richards et al. 2015 PMID: 25741868, with internal and published modifications).

NM_004408.4(DNM1):c.2430G>A (p.Gly810=)

Genes: DNM1 (dynamin 1; plus strand), LOC130002699 (ATAC-STARR-seq lymphoblastoid silent region 20333; plus strand). Cytogenetic location: 9q34.11.
Variant type: single nucleotide variant.
Coding change: c.2430G>A on transcript NM_004408.4 (MANE Select); coding-DNA position 2430, G replaced by A.
Protein change: p.Gly810=; no amino-acid change (glycine 810 retained).
Molecular consequence: synonymous variant.
Genome position (GRCh38, 1-based): chr9:128,250,836, G>A. VCF-style: chr9-128250836-G-A. GRCh37 (hg19) VCF-style: chr9-131013115-G-A.
Other names: c.2430G>A, p.Gly810= (NM_001005336.3, NM_001288737.2, NM_001288738.2 and 1 more transcripts).
Identifiers: ClinVar variation 476064 (VCV000476064.19), dbSNP rs1007155416, ClinGen allele CA200323393.
Genomic context (GRCh38, chr9:128,250,836, plus strand): 5'-AGCCCGGCCCGGGTCGCGGGGCCCTGCTCCTGGGCCTCCGCCTGCTGGGTCCGCCCTGGG[G>A]GGGGCGCCCCCCGTGCCCTCCAGGCCGGGGGCTTCCCCTGACCCTTTCGGCCCTCCCCCT-3'
Protein context (NP_004399.2, residues 800-820): PGPPPAGSAL[Gly810=]GAPPVPSRPG